The following is an entry in ClinVar:

NM_015072.5(TTLL5):c.1488-1G>T

Gene: TTLL5 (tubulin tyrosine ligase like 5; plus strand). Cytogenetic location: 14q24.3.
Variant type: single nucleotide variant.
Coding change: c.1488-1G>T on transcript NM_015072.5 (MANE Select); the canonical splice acceptor site of the intron before coding-DNA position 1488, G replaced by T.
Molecular consequence: splice acceptor variant.
Genome position (GRCh38, 1-based): chr14:75,752,892, G>T. VCF-style: chr14-75752892-G-T. GRCh37 (hg19) VCF-style: chr14-76219235-G-T.
Identifiers: ClinVar variation 1068385 (VCV001068385.10), dbSNP rs990308427, ClinGen allele CA263686960.

ClinVar aggregate classification (germline): Likely pathogenic. Review status: criteria provided, multiple submitters, no conflicts (2 of 4 stars). 2 submissions from 2 submitters: Likely pathogenic (2). Last evaluated 2024-09-17.

Conditions:
TTLL5-related disorder. Also called: TTLL5-related condition.

Allele frequency attached by ClinVar (database versions not stated): gnomAD exomes below 0.00001; TOPMed below 0.00001; gnomAD 0.00001.
gnomAD v4.1: 3 of 1,612,568 alleles (0.00019%); highest among the groups gnomAD compares: Non-Finnish European, 0.00025%; no homozygotes.

Submissions (2):

Labcorp Genetics (formerly Invitae), Labcorp
Classification: Likely pathogenic. Last evaluated: 2024-09-17. Review status: criteria provided, single submitter. Criteria: Invitae Variant Classification Sherloc (09022015). Collection method: clinical testing. Allele origin: germline.
Comment: This sequence change affects an acceptor splice site in intron 17 of the TTLL5 gene. It is expected to disrupt RNA splicing. Variants that disrupt the donor or acceptor splice site typically lead to a loss of protein function (PMID: 16199547), and loss-of-function variants in TTLL5 are known to be pathogenic (PMID: 24791901, 27162334). This variant is present in population databases (no rsID available, gnomAD 0.002%). Disruption of this splice site has been observed in individual(s) with retinitis pigmentosa (internal data). ClinVar contains an entry for this variant (Variation ID: 1068385). Algorithms developed to predict the effect of sequence changes on RNA splicing suggest that this variant may disrupt the consensus splice site. In summary, the currently available evidence indicates that the variant is pathogenic, but additional data are needed to prove that conclusively. Therefore, this variant has been classified as Likely Pathogenic.

Blueprint Genetics
Classification: Likely pathogenic for TTLL5-related disorders. Last evaluated: 2019-09-30. Review status: criteria provided, single submitter. Criteria: ACMG Guidelines, 2015. Collection method: clinical testing. Allele origin: germline. Affected: yes. Observed: 2 variant alleles.

Literature cited by the submitters: PubMed 16199547 (cited by Labcorp Genetics (formerly Invitae), Labcorp); PubMed 24791901 (cited by Labcorp Genetics (formerly Invitae), Labcorp); PubMed 27162334 (cited by Labcorp Genetics (formerly Invitae), Labcorp).